The following is an entry in ClinVar:

NM_021961.6(TEAD1):c.1069C>A (p.Pro357Thr)

Gene: TEAD1 (TEA domain transcription factor 1; plus strand). Cytogenetic location: 11p15.3.
Variant type: single nucleotide variant.
Coding change: c.1069C>A on transcript NM_021961.6 (MANE Select); coding-DNA position 1069, C replaced by A.
Protein change: p.Pro357Thr; replaces proline 357 with threonine.
Molecular consequence: missense variant.
Genome position (GRCh38, 1-based): chr11:12,930,228, C>A. VCF-style: chr11-12930228-C-A. GRCh37 (hg19) VCF-style: chr11-12951775-C-A.
Other names: short protein forms P357T.
Identifiers: ClinVar variation 1498584 (VCV001498584.9), dbSNP rs370436127, ClinGen allele CA5891813.
Genomic context (GRCh38, chr11:12,930,228, plus strand): 5'-TCACAGACGGAGTATGCAAGGTTTGAGAATGGCCGATTTGTATACCGAATAAACCGCTCC[C>A]CAATGTGTGAATATATGATCAACTTCATCCACAAGCTCAAACACTTACCAGAGAAATATA-3'
Protein context (NP_068780.2, residues 347-367): GRFVYRINRS[Pro357Thr]MCEYMINFIH

ClinVar aggregate classification (germline): Uncertain significance. Review status: criteria provided, multiple submitters, no conflicts (2 of 4 stars). 2 submissions from 2 submitters: Uncertain significance (2). Last evaluated 2022-10-28.

Allele frequency attached by ClinVar (database versions not stated): gnomAD exomes below 0.00001; ExAC 0.00001; ESP Exome Variant Server 0.00008.
gnomAD v4.1: 1 of 1,614,190 alleles (0.000062%); highest among the groups gnomAD compares: Non-Finnish European, 0.000085%; no homozygotes.

Submissions (2):

Labcorp Genetics (formerly Invitae), Labcorp
Classification: Uncertain significance. Last evaluated: 2022-10-28. Review status: criteria provided, single submitter. Criteria: Invitae Variant Classification Sherloc (09022015). Collection method: clinical testing. Allele origin: germline.
Comment: This sequence change replaces proline, which is neutral and non-polar, with threonine, which is neutral and polar, at codon 357 of the TEAD1 protein (p.Pro357Thr). This variant is present in population databases (rs370436127, gnomAD 0.0009%). This variant has not been reported in the literature in individuals affected with TEAD1-related conditions. ClinVar contains an entry for this variant (Variation ID: 1498584). Advanced modeling of protein sequence and biophysical properties (such as structural, functional, and spatial information, amino acid conservation, physicochemical variation, residue mobility, and thermodynamic stability) performed at Invitae indicates that this missense variant is not expected to disrupt TEAD1 protein function. In summary, the available evidence is currently insufficient to determine the role of this variant in disease. Therefore, it has been classified as a Variant of Uncertain Significance.

Blueprint Genetics
Classification: Uncertain significance. Last evaluated: 2021-01-05. Review status: criteria provided, single submitter. Criteria: ACMG Guidelines, 2015. Collection method: clinical testing. Allele origin: germline.